The following is an entry in ClinVar:

ClinVar aggregate classification (germline): Uncertain significance (1 of 4 stars; one submission).

Conditions:
RYR1-related disorder. Also called: RYR1-related condition; RYR1-related disorders. Identifiers: MedGen CN239331.

Submission:

Labcorp Genetics (formerly Invitae), Labcorp
Classification: Uncertain significance for RYR1-related disorder. Last evaluated: 2024-05-28. Review status: criteria provided, single submitter. Criteria: Invitae Variant Classification Sherloc (09022015). Collection method: clinical testing. Allele origin: germline.
Comment: This sequence change falls in intron 72 of the RYR1 gene. It does not directly change the encoded amino acid sequence of the RYR1 protein. It affects a nucleotide within the consensus splice site. This variant is not present in population databases (gnomAD no frequency). This variant has not been reported in the literature in individuals affected with RYR1-related conditions. Variants that disrupt the consensus splice site are a relatively common cause of aberrant splicing (PMID: 17576681, 9536098). Algorithms developed to predict the effect of sequence changes on RNA splicing suggest that this variant is not likely to affect RNA splicing. In summary, the available evidence is currently insufficient to determine the role of this variant in disease. Therefore, it has been classified as a Variant of Uncertain Significance.

Literature cited by the submitters: PubMed 17576681; PubMed 9536098.

NM_000540.3(RYR1):c.10687-3C>T

Gene: RYR1 (ryanodine receptor 1; plus strand). Cytogenetic location: 19q13.2.
Variant type: single nucleotide variant.
Coding change: c.10687-3C>T on transcript NM_000540.3 (MANE Select); 3 bases into the intron before coding-DNA position 10687, C replaced by T.
Molecular consequence: intron variant.
Genome position (GRCh38, 1-based): chr19:38,527,644, C>T. VCF-style: chr19-38527644-C-T. GRCh37 (hg19) VCF-style: chr19-39018284-C-T.
Other names: c.10672-3C>T (NM_001042723.2).
Identifiers: ClinVar variation 3718892 (VCV003718892.2).